The following is an entry in ClinVar:

NM_001267550.2(TTN):c.95336T>C (p.Ile31779Thr)

Genes: TTN (titin; minus strand), TTN-AS1 (TTN antisense RNA 1; plus strand). Cytogenetic location: 2q31.2.
Variant type: single nucleotide variant.
Coding change: c.95336T>C on transcript NM_001267550.2 (MANE Select); coding-DNA position 95336, T replaced by C.
Protein change: p.Ile31779Thr; replaces isoleucine 31779 with threonine.
Molecular consequence: missense variant.
Genome position (GRCh38, 1-based): chr2:178,545,900, A>G on the plus strand (T>C on the coding strand, the complement: TTN is on the minus strand). VCF-style: chr2-178545900-A-G. GRCh37 (hg19) VCF-style: chr2-179410627-A-G.
Other names: c.90413T>C, p.Ile30138Thr (NM_001256850.1); c.68141T>C, p.Ile22714Thr (NM_003319.4); c.87632T>C, p.Ile29211Thr (NM_133378.4); c.68516T>C, p.Ile22839Thr (NM_133432.3); c.68717T>C, p.Ile22906Thr (NM_133437.4); c.95336T>C (NM_001267550.1); short protein forms I22714T, I22906T, I31779T, I22839T, I30138T, I29211T.
Identifiers: ClinVar variation 893425 (VCV000893425.9), dbSNP rs1460359915, ClinGen allele CA349462812.
Genomic context (GRCh38, chr2:178,545,900, plus strand): 5'-ATTGGCTCTGATTCAACAGGCACACCAGGGCCATATTTGTTTACTGCCCTCACTCGGAAT[A>G]TGTACTCATTGTTCTTGATGAGCCTGGTAACGACATAGGATAGGGTTGGGCATTCGCCTT-3'
Protein context (NP_001254479.2, residues 31769-31789): VTRLIKNNEY[Ile31779Thr]FRVRAVNKYG

ClinVar aggregate classification (germline): Uncertain significance. Review status: criteria provided, multiple submitters, no conflicts (2 of 4 stars). 7 submissions from 3 submitters: Uncertain significance (7). Last evaluated 2025-09-19.

Conditions:
Autosomal recessive limb-girdle muscular dystrophy type 2J (LGMDR10). Also called: Limb-girdle muscular dystrophy, type 2J; MUSCULAR DYSTROPHY, LIMB-GIRDLE, AUTOSOMAL RECESSIVE 10. Identifiers: Orphanet 140922, MedGen C1837342, MONDO:0012127, OMIM 608807.
Dilated cardiomyopathy 1G (CMD1G). Identifiers: Orphanet 154, MedGen C1858763, MONDO:0011400, OMIM 604145.
Early-onset myopathy with fatal cardiomyopathy (CMYO5). Also called: CONGENITAL MYOPATHY 5 WITH CARDIOMYOPATHY; Salih Myopathy. Identifiers: Orphanet 289377, MedGen C2673677, MONDO:0012714, OMIM 611705. Disease mechanism: loss of function.
Myopathy, myofibrillar, 9, with early respiratory failure (MFM9). Also called: EDSTROM MYOPATHY; MYOPATHY, PROXIMAL, WITH EARLY RESPIRATORY MUSCLE INVOLVEMENT; Myopathy, distal, with early respiratory failure, autosomal dominant; Hereditary myopathy with early respiratory failure. Identifiers: Orphanet 178464, Orphanet 34521, MedGen C1863599, MONDO:0011362, OMIM 603689.
Tibial muscular dystrophy (TMD). Also called: Tibial muscular dystrophy, tardive; UDD MYOPATHY; Udd Distal Myopathy – Tibial Muscular Dystrophy. Identifiers: Orphanet 609, MedGen C1838244, MONDO:0010870, OMIM 600334.

Allele frequency attached by ClinVar (database versions not stated): gnomAD exomes below 0.00001 and 0.00001; TOPMed 0.00001; gnomAD 0.00003.
gnomAD v4.1: 24 of 1,613,766 alleles (0.0015%); highest among the groups gnomAD compares: Non-Finnish European, 0.0017%; no homozygotes.

Submissions (7):

Labcorp Genetics (formerly Invitae), Labcorp
Classification: Uncertain significance for Dilated cardiomyopathy 1G; Autosomal recessive limb-girdle muscular dystrophy type 2J. Last evaluated: 2025-09-19. Review status: criteria provided, single submitter. Criteria: Invitae Variant Classification Sherloc (09022015). Collection method: clinical testing. Allele origin: germline.
Comment: This sequence change replaces isoleucine, which is neutral and non-polar, with threonine, which is neutral and polar, at codon 31779 of the TTN protein (p.Ile31779Thr). This variant is present in population databases (no rsID available, gnomAD 0.005%). This variant has not been reported in the literature in individuals affected with TTN-related conditions. ClinVar contains an entry for this variant (Variation ID: 893425). An algorithm developed to predict the effect of missense changes on protein structure and function outputs the following: PolyPhen-2: "Not Available". The threonine amino acid residue is found in multiple mammalian species, which suggests that this missense change does not adversely affect protein function. This variant is located in the A band of TTN (PMID: 25589632). Variants in this region may be relevant for cardiac or neuromuscular disorders (PMID: 25589632, 23975875). In summary, the available evidence is currently insufficient to determine the role of this variant in disease. Therefore, it has been classified as a Variant of Uncertain Significance.

GeneDx
Classification: Uncertain significance. Last evaluated: 2022-10-19. Review status: criteria provided, single submitter. Criteria: GeneDx Variant Classification Process June 2021. Collection method: clinical testing. Allele origin: germline. Affected: yes.
Comment: Not observed at significant frequency in large population cohorts (gnomAD); In silico analysis supports that this missense variant does not alter protein structure/function; Has not been previously published as pathogenic or benign to our knowledge; This variant is associated with the following publications: (PMID: 24636144)

Illumina Laboratory Services, Illumina
Classification: Uncertain significance for Dilated cardiomyopathy 1G. Last evaluated: 2018-01-13. Review status: criteria provided, single submitter. Criteria: ICSL Variant Classification Criteria 13 December 2019. Collection method: clinical testing. Allele origin: germline.

Illumina Laboratory Services, Illumina
Classification: Uncertain significance for Myopathy, myofibrillar, 9, with early respiratory failure. Last evaluated: 2018-01-13. Review status: criteria provided, single submitter. Criteria: ICSL Variant Classification Criteria 13 December 2019. Collection method: clinical testing. Allele origin: germline.

Illumina Laboratory Services, Illumina
Classification: Uncertain significance for Tibial muscular dystrophy. Last evaluated: 2018-01-13. Review status: criteria provided, single submitter. Criteria: ICSL Variant Classification Criteria 13 December 2019. Collection method: clinical testing. Allele origin: germline.

Illumina Laboratory Services, Illumina
Classification: Uncertain significance for Early-onset myopathy with fatal cardiomyopathy. Last evaluated: 2018-01-13. Review status: criteria provided, single submitter. Criteria: ICSL Variant Classification Criteria 13 December 2019. Collection method: clinical testing. Allele origin: germline.

Illumina Laboratory Services, Illumina
Classification: Uncertain significance for Autosomal recessive limb-girdle muscular dystrophy type 2J. Last evaluated: 2018-01-13. Review status: criteria provided, single submitter. Criteria: ICSL Variant Classification Criteria 13 December 2019. Collection method: clinical testing. Allele origin: germline.

Literature cited by the submitters: PubMed 25589632 (cited by Labcorp Genetics (formerly Invitae), Labcorp); PubMed 23975875 (cited by Labcorp Genetics (formerly Invitae), Labcorp).